The following is an entry in ClinVar:

NM_000535.7(PMS2):c.290A>G (p.Asp97Gly)

Gene: PMS2 (PMS1 homolog 2, mismatch repair system component; minus strand). Cytogenetic location: 7p22.1.
Variant type: single nucleotide variant.
Coding change: c.290A>G on transcript NM_000535.7 (MANE Select); coding-DNA position 290, A replaced by G.
Protein change: p.Asp97Gly; replaces aspartic acid 97 with glycine.
Molecular consequence: missense variant. On other transcripts: 5 prime UTR variant (9), non-coding transcript variant (1), intron variant (2).
Genome position (GRCh38, 1-based): chr7:6,003,753, T>C on the plus strand (A>G on the coding strand, the complement: PMS2 is on the minus strand). VCF-style: chr7-6003753-T-C. GRCh37 (hg19) VCF-style: chr7-6043384-T-C.
Other names: c.-595A>G (NM_001322012.2, NM_001322011.2); c.-116A>G (NM_001322013.2, NM_001322003.2, NM_001322004.2 and 3 more transcripts); c.290A>G, p.Asp97Gly (NM_001322014.2, NM_001322006.2); c.-195A>G (NM_001322015.2); c.35+219A>G (NM_001322008.2, NM_001322007.2); short protein forms D97G.
Identifiers: ClinVar variation 836824 (VCV000836824.16), dbSNP rs1175866554, ClinGen allele CA366744646.

ClinVar aggregate classification (germline): Uncertain significance. Review status: criteria provided, multiple submitters, no conflicts (2 of 4 stars). 4 submissions from 4 submitters: Uncertain significance (4). Last evaluated 2026-01-05.

Conditions:
Hereditary nonpolyposis colorectal neoplasms. Identifiers: MedGen C0009405, MeSH D003123.
Lynch syndrome. Identifiers: Orphanet 144, MedGen C4552100, MONDO:0005835. Disease mechanism: loss of function.
Hereditary cancer-predisposing syndrome. Also called: Hereditary neoplastic syndrome; Neoplastic Syndromes, Hereditary; Tumor predisposition; Hereditary Cancer Syndrome. Identifiers: Orphanet 140162, MedGen C0027672, MeSH D009386, MONDO:0015356.

Allele frequency attached by ClinVar (database versions not stated): gnomAD 0.00002; TOPMed 0.00002.
gnomAD v4.1: 3 of 1,603,584 alleles (0.00019%); highest among the groups gnomAD compares: African/African-American, 0.004%; no homozygotes.

Submissions (4):

Labcorp Genetics (formerly Invitae), Labcorp
Classification: Uncertain significance for Hereditary nonpolyposis colorectal neoplasms. Last evaluated: 2026-01-05. Review status: criteria provided, single submitter. Criteria: Invitae Variant Classification Sherloc (09022015). Collection method: clinical testing. Allele origin: germline.
Comment: This sequence change replaces aspartic acid, which is acidic and polar, with glycine, which is neutral and non-polar, at codon 97 of the PMS2 protein (p.Asp97Gly). This variant is not present in population databases (gnomAD no frequency). This variant has not been reported in the literature in individuals affected with PMS2-related conditions. ClinVar contains an entry for this variant (Variation ID: 836824). Invitae Evidence Modeling incorporating data from in vitro experimental studies (internal data) indicates that this missense variant is not expected to disrupt PMS2 function with a negative predictive value of 95%. In summary, the available evidence is currently insufficient to determine the role of this variant in disease. Therefore, it has been classified as a Variant of Uncertain Significance.

Ambry Genetics
Classification: Uncertain significance for Hereditary cancer-predisposing syndrome. Last evaluated: 2025-04-28. Review status: criteria provided, single submitter. Criteria: Ambry Variant Classification Scheme 2023. Collection method: clinical testing. Allele origin: germline.
Comment: The p.D97G variant (also known as c.290A>G), located in coding exon 4 of the PMS2 gene, results from an A to G substitution at nucleotide position 290. The aspartic acid at codon 97 is replaced by glycine, an amino acid with similar properties. This amino acid position is highly conserved in available vertebrate species. In addition, this alteration is predicted to be deleterious by in silico analysis. Since supporting evidence is limited at this time, the clinical significance of this alteration remains unclear.

All of Us Research Program, National Institutes of Health
Classification: Uncertain significance for Lynch syndrome. Last evaluated: 2024-03-24. Review status: criteria provided, single submitter. Criteria: ACMG Guidelines, 2015. Collection method: clinical testing. Allele origin: germline. Inheritance: Autosomal dominant inheritance. Observed: 1 variant allele, 1 heterozygote.
Comment: This missense variant replaces aspartic acid with glycine at codon 97 of the PMS2 protein. Computational prediction tools and conservation analyses suggest that this variant may have deleterious impact on the protein function. Computational splicing tools suggest that this variant may not impact RNA splicing. To our knowledge, functional assays have not been performed for this variant nor has this variant been reported in individuals affected with hereditary cancer in the literature. This variant has not been identified in the general population by the Genome Aggregation Database (gnomAD). Available evidence is insufficient to determine the role of this variant in disease conclusively. Therefore, this variant is classified as a Variant of Uncertain Significance.

This study involves interpretation of variants in research participants for the purpose of population health screening. Participant phenotype was not available at the time of variant classification. Additional details can be found in publication PMID: 35346344, PMCID: PMC8962531

Color Diagnostics, LLC DBA Color Health
Classification: Uncertain significance for Hereditary cancer-predisposing syndrome. Last evaluated: 2023-12-05. Review status: criteria provided, single submitter. Criteria: ACMG Guidelines, 2015. Collection method: clinical testing. Allele origin: germline.
Comment: This missense variant replaces aspartic acid with glycine at codon 97 of the PMS2 protein. Computational prediction tools and conservation analyses suggest that this variant may have deleterious impact on the protein function. Computational splicing tools suggest that this variant may not impact RNA splicing. To our knowledge, functional assays have not been performed for this variant nor has this variant been reported in individuals affected with hereditary cancer in the literature. This variant has not been identified in the general population by the Genome Aggregation Database (gnomAD). Available evidence is insufficient to determine the role of this variant in disease conclusively. Therefore, this variant is classified as a Variant of Uncertain Significance.